The following is an entry in ClinVar:

ClinVar aggregate classification (germline): Uncertain significance. Review status: criteria provided, multiple submitters, no conflicts (2 of 4 stars). 2 submissions from 2 submitters: Uncertain significance (2). Last evaluated 2026-01-18.

Conditions:
Hereditary cancer-predisposing syndrome. Also called: Hereditary neoplastic syndrome; Tumor predisposition; Hereditary Cancer Syndrome; Neoplastic Syndromes, Hereditary. Identifiers: Orphanet 140162, MedGen C0027672, MeSH D009386, MONDO:0015356.
Neuroblastoma, susceptibility to, 3. Also called: ALK-Related Neuroblastic Tumor Susceptibility. Identifiers: Orphanet 635, MedGen C2751681, MONDO:0013083, OMIM 613014.

Allele frequency attached by ClinVar (database versions not stated): gnomAD exomes below 0.00001; TOPMed below 0.00001.
gnomAD v4.1: 4 of 1,613,354 alleles (0.00025%); highest among the groups gnomAD compares: Middle Eastern, 0.017%; no homozygotes.

Submissions (2):

Labcorp Genetics (formerly Invitae), Labcorp
Classification: Uncertain significance for Neuroblastoma, susceptibility to, 3. Last evaluated: 2026-01-18. Review status: criteria provided, single submitter. Criteria: Invitae Variant Classification Sherloc (09022015). Collection method: clinical testing. Allele origin: germline.
Comment: This sequence change falls in intron 20 of the ALK gene. It does not directly change the encoded amino acid sequence of the ALK protein. It affects a nucleotide within the consensus splice site. The frequency data for this variant in the population databases is considered unreliable, as metrics indicate poor data quality at this position in the gnomAD database. This variant has not been reported in the literature in individuals affected with ALK-related conditions. ClinVar contains an entry for this variant (Variation ID: 575256). Variants that disrupt the consensus splice site are a relatively common cause of aberrant splicing (PMID: 17576681, 9536098). Algorithms developed to predict the effect of sequence changes on RNA splicing suggest that this variant is not likely to affect RNA splicing. In summary, the available evidence is currently insufficient to determine the role of this variant in disease. Therefore, it has been classified as a Variant of Uncertain Significance.

Ambry Genetics
Classification: Uncertain significance for Hereditary cancer-predisposing syndrome. Last evaluated: 2023-10-25. Review status: criteria provided, single submitter. Criteria: Ambry Variant Classification Scheme 2023. Collection method: clinical testing. Allele origin: germline.
Comment: The c.3360-3C>T intronic variant results from a C to T substitution 3 nucleotides upstream from coding exon 21 in the ALK gene. This nucleotide position is well conserved in available vertebrate species. In silico splice site analysis predicts that this alteration will not have any significant effect on splicing. Since supporting evidence is limited at this time, the clinical significance of this alteration remains unclear.

Literature cited by the submitters: PubMed 17576681 (cited by Labcorp Genetics (formerly Invitae), Labcorp); PubMed 9536098 (cited by Labcorp Genetics (formerly Invitae), Labcorp).

NM_004304.5(ALK):c.3360-3C>T

Gene: ALK (ALK receptor tyrosine kinase; minus strand). Cytogenetic location: 2p23.2.
Variant type: single nucleotide variant.
Coding change: c.3360-3C>T on transcript NM_004304.5 (MANE Select); 3 bases into the intron before coding-DNA position 3360, C replaced by T.
Molecular consequence: intron variant.
Genome position (GRCh38, 1-based): chr2:29,222,610, G>A on the plus strand (C>T on the coding strand, the complement: ALK is on the minus strand). VCF-style: chr2-29222610-G-A. GRCh37 (hg19) VCF-style: chr2-29445476-G-A.
Other names: c.156-3C>T (NM_001353765.2).
Identifiers: ClinVar variation 575256 (VCV000575256.11), dbSNP rs1464715041, ClinGen allele CA531766941.